The following is an entry in ClinVar:

ClinVar aggregate classification (germline): Pathogenic. Review status: criteria provided, multiple submitters, no conflicts (2 of 4 stars). 3 submissions from 3 submitters: Pathogenic (3). Last evaluated 2024-08-23.

Conditions:
Hereditary cancer-predisposing syndrome. Also called: Hereditary Cancer Syndrome; Neoplastic Syndromes, Hereditary; Tumor predisposition; Hereditary neoplastic syndrome. Identifiers: Orphanet 140162, MedGen C0027672, MeSH D009386, MONDO:0015356.
Fanconi anemia complementation group O. Also called: RAD51C-Related Fanconi Anemia. Identifiers: Orphanet 84, MedGen C3150653, MONDO:0013248, OMIM 613390.
Breast-ovarian cancer, familial, susceptibility to, 3. Also called: RAD51C-Related Breast/Ovarian Cancer. Identifiers: Orphanet 145, MedGen C3150659, MONDO:0013253, OMIM 613399.

Submissions (3):

Ambry Genetics
Classification: Pathogenic for Hereditary cancer-predisposing syndrome. Last evaluated: 2024-08-23. Review status: criteria provided, single submitter. Criteria: Ambry Variant Classification Scheme 2023. Collection method: clinical testing. Allele origin: germline.
Comment: The c.216_220delACCAA pathogenic mutation, located in coding exon 2 of the RAD51C gene, results from a deletion of 5 nucleotides at nucleotide positions 216 to 220, causing a translational frameshift with a predicted alternate stop codon (p.P73Ifs*6). This variant is considered to be rare based on population cohorts in the Genome Aggregation Database (gnomAD). This alteration is expected to result in loss of function by premature protein truncation or nonsense-mediated mRNA decay. As such, this alteration is interpreted as a disease-causing mutation.

Myriad Genetics, Inc.
Classification: Pathogenic for Breast-ovarian cancer, familial, susceptibility to, 3. Last evaluated: 2024-01-02. Review status: criteria provided, single submitter. Criteria: Myriad Autosomal Dominant, Autosomal Recessive and X-Linked Classification Criteria (2023). Collection method: clinical testing. Allele origin: unknown.
Comment: This variant is considered pathogenic. This variant creates a frameshift predicted to result in premature protein truncation.

Labcorp Genetics (formerly Invitae), Labcorp
Classification: Pathogenic for Fanconi anemia complementation group O. Last evaluated: 2022-02-07. Review status: criteria provided, single submitter. Criteria: Invitae Variant Classification Sherloc (09022015). Collection method: clinical testing. Allele origin: germline.
Comment: For these reasons, this variant has been classified as Pathogenic. ClinVar contains an entry for this variant (Variation ID: 185920). This premature translational stop signal has been observed in individual(s) with breast and/or ovarian cancer (PMID: 32107557). This variant is present in population databases (rs786202563, gnomAD 0.0009%). This sequence change creates a premature translational stop signal (p.Pro73Ilefs*6) in the RAD51C gene. It is expected to result in an absent or disrupted protein product. Loss-of-function variants in RAD51C are known to be pathogenic (PMID: 20400964, 21990120, 24800917).

Literature cited by the submitters: PubMed 32107557 (cited by Labcorp Genetics (formerly Invitae), Labcorp); PubMed 20400964 (cited by Labcorp Genetics (formerly Invitae), Labcorp); PubMed 21990120 (cited by Labcorp Genetics (formerly Invitae), Labcorp); PubMed 24800917 (cited by Labcorp Genetics (formerly Invitae), Labcorp).

NM_058216.3(RAD51C):c.216_220del (p.Pro73fs)

Gene: RAD51C (RAD51 paralog C; plus strand). Cytogenetic location: 17q22.
Variant type: Deletion.
Coding change: c.216_220del on transcript NM_058216.3 (MANE Select); coding-DNA positions 216 to 220, 5 bases deleted (ACCAA; older notation c.216_220delACCAA).
Protein change: p.Pro73fs; shifts the reading frame from proline 73.
Molecular consequence: frameshift variant. On other transcripts: non-coding transcript variant (2).
Genome position (GRCh38, 1-based): chr17:58,695,001-58,695,005, ACCAA deleted; deleting any 5 consecutive bases within chr17:58,694,999-58,695,005 gives the same sequence; the c. name uses the placement nearest the transcript's 3' end. VCF-style (leftmost placement, unchanged base first): chr17-58694998-TAAACC-T. GRCh37 (hg19) VCF-style: chr17-56772359-TAAACC-T.
Other names: c.216_220del, p.Pro73fs (NM_002876.4); short protein forms P73fs.
Identifiers: ClinVar variation 185920 (VCV000185920.11), dbSNP rs786202563, ClinGen allele CA193384.